The following is an entry in ClinVar:

ClinVar aggregate classification (germline): Uncertain significance (1 of 4 stars; one submission).

Allele frequency attached by ClinVar (database versions not stated): gnomAD exomes below 0.00001.

Submission:

Labcorp Genetics (formerly Invitae), Labcorp
Classification: Uncertain significance. Last evaluated: 2024-11-10. Review status: criteria provided, single submitter. Criteria: Invitae Variant Classification Sherloc (09022015). Collection method: clinical testing. Allele origin: germline.
Comment: This sequence change replaces aspartic acid, which is acidic and polar, with tyrosine, which is neutral and polar, at codon 3 of the CYCS protein (p.Asp3Tyr). This variant is not present in population databases (gnomAD no frequency). This variant has not been reported in the literature in individuals affected with CYCS-related conditions. ClinVar contains an entry for this variant (Variation ID: 2827312). An algorithm developed to predict the effect of missense changes on protein structure and function (PolyPhen-2) suggests that this variant is likely to be disruptive. In summary, the available evidence is currently insufficient to determine the role of this variant in disease. Therefore, it has been classified as a Variant of Uncertain Significance.

NM_018947.6(CYCS):c.7G>T (p.Asp3Tyr)

Gene: CYCS (cytochrome c, somatic; minus strand). Cytogenetic location: 7p15.3.
Variant type: single nucleotide variant.
Coding change: c.7G>T on transcript NM_018947.6 (MANE Select); coding-DNA position 7, G replaced by T.
Protein change: p.Asp3Tyr; replaces aspartic acid 3 with tyrosine.
Molecular consequence: missense variant.
Genome position (GRCh38, 1-based): chr7:25,124,113, C>A on the plus strand (G>T on the coding strand, the complement: CYCS is on the minus strand). VCF-style: chr7-25124113-C-A. GRCh37 (hg19) VCF-style: chr7-25163732-C-A.
Other names: short protein forms D3Y.
Identifiers: ClinVar variation 2827312 (VCV002827312.3), dbSNP rs2535206990, ClinGen allele CA367060643.